The following is an entry in ClinVar:

ClinVar aggregate classification (germline): Uncertain significance (1 of 4 stars; one submission).

Allele frequency attached by ClinVar (database versions not stated): gnomAD exomes below 0.00001; TOPMed 0.00001.
gnomAD v4.1: 4 of 1,613,540 alleles (0.00025%); highest among the groups gnomAD compares: Admixed American, 0.0033%; no homozygotes.

Submission:

Labcorp Genetics (formerly Invitae), Labcorp
Classification: Uncertain significance. Last evaluated: 2022-09-03. Review status: criteria provided, single submitter. Criteria: Invitae Variant Classification Sherloc (09022015). Collection method: clinical testing. Allele origin: germline.
Comment: Algorithms developed to predict the effect of missense changes on protein structure and function (SIFT, PolyPhen-2, Align-GVGD) all suggest that this variant is likely to be tolerated. In summary, the available evidence is currently insufficient to determine the role of this variant in disease. Therefore, it has been classified as a Variant of Uncertain Significance. This variant has not been reported in the literature in individuals affected with CLCN6-related conditions. This sequence change replaces methionine, which is neutral and non-polar, with isoleucine, which is neutral and non-polar, at codon 596 of the CLCN6 protein (p.Met596Ile). This variant is present in population databases (no rsID available, gnomAD 0.006%).

NM_001286.5(CLCN6):c.1788G>T (p.Met596Ile)

Gene: CLCN6 (chloride voltage-gated channel 6; plus strand). Cytogenetic location: 1p36.22.
Variant type: single nucleotide variant.
Coding change: c.1788G>T on transcript NM_001286.5 (MANE Select); coding-DNA position 1788, G replaced by T.
Protein change: p.Met596Ile; replaces methionine 596 with isoleucine.
Molecular consequence: missense variant. On other transcripts: non-coding transcript variant (1).
Genome position (GRCh38, 1-based): chr1:11,834,585, G>T. VCF-style: chr1-11834585-G-T. GRCh37 (hg19) VCF-style: chr1-11894642-G-T.
Other names: c.1722G>T, p.Met574Ile (NM_001256959.2); short protein forms M596I, M574I.
Identifiers: ClinVar variation 1934479 (VCV001934479.5), dbSNP rs1184288121, ClinGen allele CA338436308.